The following is an entry in ClinVar:

NM_001127222.2(CACNA1A):c.6456C>T (p.His2152=)

Gene: CACNA1A (calcium voltage-gated channel subunit alpha1 A; minus strand). Cytogenetic location: 19p13.13.
Variant type: single nucleotide variant.
Coding change: c.6456C>T on transcript NM_001127222.2 (MANE Select); coding-DNA position 6456, C replaced by T.
Protein change: p.His2152=; no amino-acid change (histidine 2152 retained).
Molecular consequence: synonymous variant.
Genome position (GRCh38, 1-based): chr19:13,209,382, G>A on the plus strand (C>T on the coding strand, the complement: CACNA1A is on the minus strand). VCF-style: chr19-13209382-G-A. GRCh37 (hg19) VCF-style: chr19-13320196-G-A.
Other names: c.6474C>T, p.His2158= (NM_000068.4, NM_023035.3); c.6459C>T, p.His2153= (NM_001127221.2); c.6465C>T, p.His2155= (NM_001174080.2).
Identifiers: ClinVar variation 4682222 (VCV004682222.1).
Genomic context (GRCh38, chr19:13,209,382, plus strand): 5'-ATCGGTGTAGCGGCCCAGGGAGCGCTCAGAGGCGCGGTGGCTGCGGTCGCGGCGCCGCTG[G>A]TGGTGCCGCTGGTTCTCCTCGGGCGGGACCCGCTCCAGCGAGTAATCGTCCAGGCGTCGG-3'
Protein context (NP_001120694.1, residues 2142-2162): RVPPEENQRH[His2152=]QRRRDRSHRA

ClinVar aggregate classification (germline): Uncertain significance (1 of 4 stars; one submission).

gnomAD v4.1: 1 of 1,400,688 alleles (0.000071%); highest among the groups gnomAD compares: Admixed American, 0.0033%; no homozygotes.

Submission:

Athena Diagnostics
Classification: Uncertain significance. Last evaluated: 2024-12-17. Review status: criteria provided, single submitter. Criteria: Athena Diagnostics Criteria. Collection method: clinical testing. Allele origin: unknown.
Comment: Available data are insufficient to determine the clinical significance of the variant at this time. The frequency of this variant in the general population is uninformative in assessment of its pathogenicity. Computational tools yielded predictions that this variant is unlikely to have an effect on normal RNA splicing.